The following is an entry in ClinVar:

ClinVar aggregate classification (germline): Pathogenic (1 of 4 stars; one submission).

Submission:

Labcorp Genetics (formerly Invitae), Labcorp
Classification: Pathogenic. Last evaluated: 2022-04-28. Review status: criteria provided, single submitter. Criteria: Invitae Variant Classification Sherloc (09022015). Collection method: clinical testing. Allele origin: germline.
Comment: This variant is not present in population databases (gnomAD no frequency). This variant has not been reported in the literature in individuals affected with HNF4A-related conditions. For these reasons, this variant has been classified as Pathogenic. This sequence change creates a premature translational stop signal (p.Glu188*) in the HNF4A gene. It is expected to result in an absent or disrupted protein product. Loss-of-function variants in HNF4A are known to be pathogenic (PMID: 20164212, 23275527, 23348805, 24097065).

Literature cited by the submitters: PubMed 20164212; PubMed 23275527; PubMed 23348805; PubMed 24097065.

NM_175914.5(HNF4A):c.562G>T (p.Glu188Ter)

Gene: HNF4A (hepatocyte nuclear factor 4 alpha; plus strand). Cytogenetic location: 20q13.12.
Variant type: single nucleotide variant.
Coding change: c.562G>T on transcript NM_175914.5 (MANE Select); coding-DNA position 562, G replaced by T.
Protein change: p.Glu188Ter; replaces glutamic acid 188 with a stop codon.
Molecular consequence: nonsense.
Genome position (GRCh38, 1-based): chr20:44,414,642, G>T. VCF-style: chr20-44414642-G-T. GRCh37 (hg19) VCF-style: chr20-43043282-G-T.
Other names: c.628G>T, p.Glu210Ter (NM_000457.6, NM_178849.3, NM_178850.3); c.562G>T, p.Glu188Ter (NM_001030003.3, NM_001030004.3); c.607G>T, p.Glu203Ter (NM_001258355.2); c.553G>T, p.Glu185Ter (NM_001287182.2, NM_001287183.2, NM_001287184.2); short protein forms E188*, E210*, E185*, E203*.
Identifiers: ClinVar variation 1437566 (VCV001437566.6), dbSNP rs771156648, ClinGen allele CA409106212.
Genomic context (GRCh38, chr20:44,414,642, plus strand): 5'-TCCATGAAGGAGCAGCTGCTGGTTCTCGTTGAGTGGGCCAAGTACATCCCAGCTTTCTGC[G>T]AGCTCCCCCTGGACGACCAGGTGAGGATGGGCGTGGATGGTGGGCAGTAGTGGGCAGTGG-3'